The following is an entry in ClinVar:

ClinVar aggregate classification (germline): Uncertain significance. Review status: criteria provided, multiple submitters, no conflicts (2 of 4 stars). 3 submissions from 3 submitters: Uncertain significance (3). Last evaluated 2021-09-17.

Conditions:
Cardiovascular phenotype. Identifiers: MedGen CN230736.
Duchenne muscular dystrophy (DMD). Also called: MUSCULAR DYSTROPHY, PSEUDOHYPERTROPHIC PROGRESSIVE, DUCHENNE TYPE; Duchenne Muscular Dystrophy (DMD). Identifiers: Orphanet 98896, MedGen C0013264, MONDO:0010679, OMIM 310200.

Submissions (3):

MGZ Medical Genetics Center
Classification: Uncertain significance for Duchenne muscular dystrophy. Last evaluated: 2021-09-17. Review status: criteria provided, single submitter. Criteria: ACMG Guidelines, 2015. Collection method: clinical testing. Allele origin: germline. Affected: yes. Observed: 1 variant allele.
Comment: ACMG criteria applied: PM2_SUP

Labcorp Genetics (formerly Invitae), Labcorp
Classification: Uncertain significance for Duchenne muscular dystrophy. Last evaluated: 2021-08-20. Review status: criteria provided, single submitter. Criteria: Invitae Variant Classification Sherloc (09022015). Collection method: clinical testing. Allele origin: germline.
Comment: This sequence change replaces arginine with glycine at codon 3345 of the DMD protein (p.Arg3345Gly). The arginine residue is highly conserved and there is a moderate physicochemical difference between arginine and glycine. This variant is not present in population databases (ExAC no frequency). This variant has not been reported in the literature in individuals affected with DMD-related conditions. Algorithms developed to predict the effect of missense changes on protein structure and function are either unavailable or do not agree on the potential impact of this missense change (SIFT: "Deleterious"; PolyPhen-2: "Benign"; Align-GVGD: "Class C65"). In summary, the available evidence is currently insufficient to determine the role of this variant in disease. Therefore, it has been classified as a Variant of Uncertain Significance.

Ambry Genetics
Classification: Uncertain significance for Cardiovascular phenotype. Last evaluated: 2020-06-15. Review status: criteria provided, single submitter. Criteria: Ambry Variant Classification Scheme 2023. Collection method: clinical testing. Allele origin: germline.
Comment: The p.R3345G variant (also known as c.10033C>G), located in coding exon 69 of the DMD gene, results from a C to G substitution at nucleotide position 10033. The arginine at codon 3345 is replaced by glycine, an amino acid with dissimilar properties. This amino acid position is highly conserved in available vertebrate species. In addition, this alteration is predicted to be deleterious by in silico analysis. Since supporting evidence is limited at this time, the clinical significance of this alteration remains unclear.

NM_004006.3(DMD):c.10033C>G (p.Arg3345Gly)

Gene: DMD (dystrophin; minus strand). Cytogenetic location: Xp21.2.
Variant type: single nucleotide variant.
Coding change: c.10033C>G on transcript NM_004006.3 (MANE Select); coding-DNA position 10033, C replaced by G.
Protein change: p.Arg3345Gly; replaces arginine 3345 with glycine.
Molecular consequence: missense variant.
Genome position (GRCh38, 1-based): chrX:31,180,423, G>C on the plus strand (C>G on the coding strand, the complement: DMD is on the minus strand). VCF-style: chrX-31180423-G-C. GRCh37 (hg19) VCF-style: chrX-31198540-G-C.
Other names: c.10009C>G, p.Arg3337Gly (NM_000109.4); c.10021C>G, p.Arg3341Gly (NM_004009.3); c.9664C>G, p.Arg3222Gly (NM_004010.3); c.6010C>G, p.Arg2004Gly (NM_004011.4); c.6001C>G, p.Arg2001Gly (NM_004012.4); c.2653C>G, p.Arg885Gly (NM_004013.3, NM_004020.4, NM_004021.3 and 2 more transcripts); c.1846C>G, p.Arg616Gly (NM_004014.3); c.829C>G, p.Arg277Gly (NM_004015.3, NM_004016.3, NM_004017.3 and 2 more transcripts); short protein forms R2004G, R3337G, R616G, R2001G, R3222G, R277G, R3341G, R3345G.
Identifiers: ClinVar variation 972494 (VCV000972494.10), dbSNP rs398123827, ClinGen allele CA412653107.